The following is an entry in ClinVar:

NM_138694.4(PKHD1):c.1031C>G (p.Thr344Ser)

Gene: PKHD1 (PKHD1 ciliary IPT domain containing fibrocystin/polyductin; minus strand). Cytogenetic location: 6p12.2.
Variant type: single nucleotide variant.
Coding change: c.1031C>G on transcript NM_138694.4 (MANE Select); coding-DNA position 1031, C replaced by G.
Protein change: p.Thr344Ser; replaces threonine 344 with serine.
Molecular consequence: missense variant.
Genome position (GRCh38, 1-based): chr6:52,062,606, G>C on the plus strand (C>G on the coding strand, the complement: PKHD1 is on the minus strand). VCF-style: chr6-52062606-G-C. GRCh37 (hg19) VCF-style: chr6-51927404-G-C.
Other names: c.1031C>G, p.Thr344Ser (NM_170724.3); short protein forms T344S.
Identifiers: ClinVar variation 3573498 (VCV003573498.1).

ClinVar aggregate classification (germline): Uncertain significance (1 of 4 stars; one submission).

Submission:

GeneDx
Classification: Uncertain significance. Last evaluated: 2024-07-16. Review status: criteria provided, single submitter. Criteria: GeneDx Variant Classification Process June 2021. Collection method: clinical testing. Allele origin: germline. Affected: yes.
Comment: Not observed at significant frequency in large population cohorts (gnomAD); In silico analysis indicates that this missense variant does not alter protein structure/function; Has not been previously published as pathogenic or benign to our knowledge